The following is an entry in ClinVar:

ClinVar aggregate classification (germline): Uncertain significance (1 of 4 stars; one submission).

Allele frequency attached by ClinVar (database versions not stated): gnomAD exomes below 0.00001; ExAC 0.00002.
gnomAD v4.1: 1 of 1,597,062 alleles (0.000063%); highest among the groups gnomAD compares: Non-Finnish European, 0.000085%; no homozygotes.

Submission:

Labcorp Genetics (formerly Invitae), Labcorp
Classification: Uncertain significance. Last evaluated: 2022-04-15. Review status: criteria provided, single submitter. Criteria: Invitae Variant Classification Sherloc (09022015). Collection method: clinical testing. Allele origin: germline.
Comment: This sequence change replaces tyrosine, which is neutral and polar, with cysteine, which is neutral and slightly polar, at codon 62 of the NR2E3 protein (p.Tyr62Cys). The frequency data for this variant in the population databases is considered unreliable, as metrics indicate poor data quality at this position in the gnomAD database. This variant has not been reported in the literature in individuals affected with NR2E3-related conditions. Experimental studies and prediction algorithms are not available or were not evaluated, and the functional significance of this variant is currently unknown. In summary, the available evidence is currently insufficient to determine the role of this variant in disease. Therefore, it has been classified as a Variant of Uncertain Significance.

NM_014249.4(NR2E3):c.185A>G (p.Tyr62Cys)

Gene: NR2E3 (nuclear receptor subfamily 2 group E member 3; plus strand). Cytogenetic location: 15q23.
Variant type: single nucleotide variant.
Coding change: c.185A>G on transcript NM_014249.4 (MANE Select); coding-DNA position 185, A replaced by G.
Protein change: p.Tyr62Cys; replaces tyrosine 62 with cysteine.
Molecular consequence: missense variant.
Genome position (GRCh38, 1-based): chr15:71,811,549, A>G. VCF-style: chr15-71811549-A-G. GRCh37 (hg19) VCF-style: chr15-72103889-A-G.
Other names: c.185A>G, p.Tyr62Cys (NM_016346.4); short protein forms Y62C.
Identifiers: ClinVar variation 1945975 (VCV001945975.3), dbSNP rs775046346, ClinGen allele CA7640238.